The following is an entry in ClinVar:

NM_153006.3(NAGS):c.719C>A (p.Ser240Ter)

Gene: NAGS (N-acetylglutamate synthase; plus strand). Cytogenetic location: 17q21.31.
Variant type: single nucleotide variant.
Coding change: c.719C>A on transcript NM_153006.3 (MANE Select); coding-DNA position 719, C replaced by A.
Protein change: p.Ser240Ter; replaces serine 240 with a stop codon.
Molecular consequence: nonsense.
Genome position (GRCh38, 1-based): chr17:44,006,041, C>A. VCF-style: chr17-44006041-C-A. GRCh37 (hg19) VCF-style: chr17-42083409-C-A.
Other names: c.719C>A (NM_153006.2); short protein forms S240*.
Identifiers: ClinVar variation 2676919 (VCV002676919.2), dbSNP rs781031762, ClinGen allele CA8595212.

ClinVar aggregate classification (germline): Likely pathogenic. Review status: criteria provided, multiple submitters, no conflicts (2 of 4 stars). 2 submissions from 2 submitters: Likely pathogenic (2). Last evaluated 2025-12-22.

Conditions:
Hyperammonemia, type III (NAGSD). Also called: Hyperammonemia due to N-acetylglutamate synthase deficiency. Identifiers: Orphanet 927, MedGen C0268543, MONDO:0009377, OMIM 237310.

Allele frequency attached by ClinVar (database versions not stated): gnomAD 0.00001.
gnomAD v4.1: 2 of 1,604,794 alleles (0.00012%); highest among the groups gnomAD compares: African/African-American, 0.0013%; no homozygotes.

Submissions (2):

Natera, Inc.
Classification: Likely pathogenic for Hyperammonemia type III. Last evaluated: 2025-12-22. Review status: criteria provided, single submitter. Criteria: Natera Variant Classification Schema (03/2026). Collection method: clinical testing. Allele origin: germline.
Comment: The c.719C>A variant in NAGS is a nonsense variant predicted to introduce a stop codon at amino acid 240. This variant is expected to result in nonsense mediated decay, truncation, or a dysfunctional protein product. This variant is rare in the general population with a frequency below the threshold expected for the associated phenotype(s). Given the available evidence, this variant is classified as Likely Pathogenic.

Baylor Genetics
Classification: Likely pathogenic for Hyperammonemia, type III. Last evaluated: 2022-12-22. Review status: criteria provided, single submitter. Criteria: ACMG Guidelines, 2015. Collection method: clinical testing. Allele origin: unknown.